The following is an entry in ClinVar:

NM_206933.4(USH2A):c.5339C>T (p.Thr1780Ile)

Genes: USH2A (usherin; minus strand), USH2A-AS2 (USH2A antisense RNA 2; plus strand). Cytogenetic location: 1q41.
Variant type: single nucleotide variant.
Coding change: c.5339C>T on transcript NM_206933.4 (MANE Select); coding-DNA position 5339, C replaced by T.
Protein change: p.Thr1780Ile; replaces threonine 1780 with isoleucine.
Molecular consequence: missense variant.
Genome position (GRCh38, 1-based): chr1:216,078,322, G>A on the plus strand (C>T on the coding strand, the complement: USH2A is on the minus strand). VCF-style: chr1-216078322-G-A. GRCh37 (hg19) VCF-style: chr1-216251664-G-A.
Other names: short protein forms T1780I.
Identifiers: ClinVar variation 1504067 (VCV001504067.6), dbSNP rs1430931231, ClinGen allele CA344856585.

ClinVar aggregate classification (germline): Uncertain significance (1 of 4 stars; one submission).

Allele frequency attached by ClinVar (database versions not stated): gnomAD exomes below 0.00001 and 0.00001; gnomAD 0.00001; TOPMed 0.00001.
gnomAD v4.1: 10 of 1,613,526 alleles (0.00062%); highest among the groups gnomAD compares: African/African-American, 0.0027%; no homozygotes.

Submission:

Labcorp Genetics (formerly Invitae), Labcorp
Classification: Uncertain significance. Last evaluated: 2022-05-06. Review status: criteria provided, single submitter. Criteria: Invitae Variant Classification Sherloc (09022015). Collection method: clinical testing. Allele origin: germline.
Comment: This sequence change replaces threonine, which is neutral and polar, with isoleucine, which is neutral and non-polar, at codon 1780 of the USH2A protein (p.Thr1780Ile). This variant is present in population databases (no rsID available, gnomAD 0.003%). This variant has not been reported in the literature in individuals affected with USH2A-related conditions. Algorithms developed to predict the effect of missense changes on protein structure and function are either unavailable or do not agree on the potential impact of this missense change (SIFT: "Deleterious"; PolyPhen-2: "Possibly Damaging"; Align-GVGD: "Class C0"). In summary, the available evidence is currently insufficient to determine the role of this variant in disease. Therefore, it has been classified as a Variant of Uncertain Significance.